The following is an entry in ClinVar:

NM_020975.6(RET):c.2556C>G (p.Ile852Met)

Gene: RET (ret proto-oncogene; plus strand). Cytogenetic location: 10q11.21.
Variant type: single nucleotide variant.
Coding change: c.2556C>G on transcript NM_020975.6 (MANE Select); coding-DNA position 2556, C replaced by G.
Protein change: p.Ile852Met; replaces isoleucine 852 with methionine.
Molecular consequence: missense variant.
Genome position (GRCh38, 1-based): chr10:43,119,694, C>G. VCF-style: chr10-43119694-C-G. GRCh37 (hg19) VCF-style: chr10-43615142-C-G.
Other names: c.2556C>G, p.Ile852Met (NM_000323.2, NM_001406743.1, NM_001406744.1 and 4 more transcripts); c.1794C>G, p.Ile598Met (NM_001355216.2); c.2118C>G, p.Ile706Met (NM_001406771.1, NM_001406773.1); c.2160C>G, p.Ile720Met (NM_001406772.1, NM_001406769.1); c.2031C>G, p.Ile677Met (NM_001406774.1); c.1830C>G, p.Ile610Met (NM_001406775.1, NM_001406776.1, NM_001406777.1 and 1 more transcripts); c.1659C>G, p.Ile553Met (NM_001406779.1, NM_001406780.1, NM_001406781.1 and 1 more transcripts); c.1371C>G, p.Ile457Met (NM_001406790.1, NM_001406788.1, NM_001406789.1); and 10 more; short protein forms I598M, I457M, I522M, I677M, I807M, I369M, I553M, I610M.
Identifiers: ClinVar variation 24955 (VCV000024955.52), dbSNP rs377767426, ClinGen allele CA008919.
Genomic context (GRCh38, chr10:43,119,694, plus strand): 5'-CCGCAACTCCAGCTCCCTGGACCACCCGGATGAGCGGGCCCTCACCATGGGCGACCTCAT[C>G]TCATTTGCCTGGCAGATCTCACAGGGGATGCAGTATCTGGCCGAGATGAAGGTGCGTGCA-3'
Protein context (NP_066124.1, residues 842-862): DERALTMGDL[Ile852Met]SFAWQISQGM

ClinVar aggregate classification (germline): Conflicting classifications of pathogenicity. Review status: criteria provided, conflicting classifications (1 of 4 stars). 20 submissions from 20 submitters: Uncertain significance (16); Likely benign (2). 2 of the submissions do not count toward it. Last evaluated 2026-07-20.

Conditions:
Multiple endocrine neoplasia type 2A. Also called: MULTIPLE ENDOCRINE NEOPLASIA, TYPE IIA; PTC SYNDROME; SIPPLE SYNDROME; MEN 2A; MEN-2A syndrome; Pheochromocytoma and amyloid producing medullary thyroid carcinoma. Identifiers: Orphanet 247698, Orphanet 653, MedGen C0025268, MeSH D018813, MONDO:0008234, OMIM 171400.
Pheochromocytoma. Also called: MAX-Related Hereditary Paraganglioma-Pheochromocytoma Syndrome. Identifiers: Orphanet 29072, MedGen C0031511, MONDO:0008233, OMIM 171300, HP:0002666.
Familial medullary thyroid carcinoma (MTC). Also called: Thyroid cancer, familial medullary; MTC, familial; Familial Medullary Thyroid Carcinoma (FMTC). Identifiers: Orphanet 653, Orphanet 99361, MedGen C1833921, MONDO:0007958, OMIM 155240.
Multiple endocrine neoplasia type 2B. Also called: MEN 2B; Multiple endocrine neoplasia, type 3; MULTIPLE ENDOCRINE NEOPLASIA, TYPE IIB; MUCOSAL NEUROMA SYNDROME; NEUROMATA, MUCOSAL, WITH ENDOCRINE TUMORS; WAGENMANN-FROBOESE SYNDROME. Identifiers: Orphanet 247709, Orphanet 653, MedGen C0025269, MeSH D018814, MONDO:0008082, OMIM 162300.
Hirschsprung disease, susceptibility to, 1 (HSCR1). Also called: RET-Related Hirschsprung Disease. Identifiers: Orphanet 388, MedGen C3888239, MONDO:0007723, OMIM 142623.
RET-related disorder. Also called: RET-related condition; RET-related disease; RET-related disorders.
Hereditary cancer-predisposing syndrome. Also called: Neoplastic Syndromes, Hereditary; Tumor predisposition; Hereditary neoplastic syndrome; Hereditary Cancer Syndrome. Identifiers: Orphanet 140162, MedGen C0027672, MeSH D009386, MONDO:0015356.
Multiple endocrine neoplasia, type 2 (MEN2). Identifiers: Orphanet 653, MedGen C4048306, MONDO:0019003. Disease mechanism: gain of function.

Allele frequency attached by ClinVar (database versions not stated): gnomAD 0.00011; TOPMed 0.00011; gnomAD exomes 0.00018 and 0.00023; ExAC 0.00015.
gnomAD v4.1: 346 of 1,613,560 alleles (0.021%); highest among the groups gnomAD compares: South Asian, 0.034%; no homozygotes.

Submissions 1 to 8 of 20:

PreventionGenetics, part of Exact Sciences
Classification: Uncertain significance for RET-related condition. Last evaluated: 2026-07-20. Review status: criteria provided, single submitter. Criteria: ACMG Guidelines, 2015. Collection method: clinical testing. Allele origin: germline.
Comment: The RET c.2556C>G variant is predicted to result in the amino acid substitution p.Ile852Met. This variant has been reported in the heterozygous state in individuals with medullary thyroid cancer (MTC), non-small cell lung cancer, and pituitary adenoma; however, pathogenicity was not established (Demeester et al. 2001. PubMed ID: 11295841; Machens et al. 2011. PubMed ID: 21711375; Table S5, Schrader et al. 2016. PubMed ID: 26556299; Guerrero-Pérez et al. 2019. PubMed ID: 31431315). It has also been reported in at least two families with MTC or multiple endocrine neoplasia type 2A with an alternative pathogenic RET variant (Joshi et al. 2016. PubMed ID: 26876062; Mathiesen et al. 2017. PubMed ID: 28578594). Functional studies demonstrate a cell proliferation rate, migration activity, and invasion similar to American Thyroid Association class A variants (Machens et al. 2011. PubMed ID: 21711375). To our knowledge this variant has not been reported in association with any congenital abnormalities of the kidney or urinary tract. This variant is reported in 0.029% of alleles in individuals of South Asian descent in gnomAD. It has conflicting classifications listed in ClinVar ranging from uncertain to likely benign (ClinVar ID: 24955). Although we suspect that this variant may be benign, at this time, the clinical significance of this variant is uncertain due to the absence of conclusive functional and genetic evidence.

Labcorp Genetics (formerly Invitae), Labcorp
Classification: Uncertain significance for Multiple endocrine neoplasia, type 2. Last evaluated: 2026-01-26. Review status: criteria provided, single submitter. Criteria: Invitae Variant Classification Sherloc (09022015). Collection method: clinical testing. Allele origin: germline.
Comment: This sequence change replaces isoleucine, which is neutral and non-polar, with methionine, which is neutral and non-polar, at codon 852 of the RET protein (p.Ile852Met). This variant is present in population databases (rs377767426, gnomAD 0.03%). This missense change has been observed in individual(s) with multiple endocrine neoplasia type 2 (MEN2A) and medullary thyroid cancer and non-small cell lung cancer (PMID: 11295841, 21711375, 24745698, 26556299, 26876062, 27525386, 28578594). ClinVar contains an entry for this variant (Variation ID: 24955). An algorithm developed to predict the effect of missense changes on protein structure and function (PolyPhen-2) suggests that this variant is likely to be disruptive. Experimental studies have shown that this missense change affects RET function (PMID: 21711375). In summary, the available evidence is currently insufficient to determine the role of this variant in disease. Therefore, it has been classified as a Variant of Uncertain Significance.

Center for Genomic Medicine, Rigshospitalet, Copenhagen University Hospital
Classification: Uncertain significance. Last evaluated: 2025-12-29. Review status: criteria provided, single submitter. Criteria: ACMG Guidelines, 2015. Collection method: clinical testing. Allele origin: germline.

Quest Diagnostics Nichols Institute San Juan Capistrano
Classification: Uncertain significance. Last evaluated: 2025-07-17. Review status: criteria provided, single submitter. Criteria: Quest Diagnostics criteria. Collection method: clinical testing. Allele origin: unknown.

GeneDx
Classification: Uncertain significance. Last evaluated: 2024-12-12. Review status: criteria provided, single submitter. Criteria: GeneDx Variant Classification Process June 2021. Collection method: clinical testing. Allele origin: germline. Affected: yes.
Comment: Reported in a family with multiple endocrine neoplasia type 2A (MEN2A), co-segregating with a known pathogenic RET variant (PMID: 26876062); Published functional studies demonstrate reduced phosphorylation activity (PMID: 21711375); In silico analysis indicates that this missense variant does not alter protein structure/function; This variant is associated with the following publications: (PMID: 16849421, 19522827, 21479187, 31431315, 29625052, 27930734, 29641532, 27809725, 26876062, 27525386, 24745698, 29341155, 29433789, 26556299, 29656518, 29020875, 28578594, 30349395, 35573754, 35210353, 31019283, 31043326, 33812987, 36451132, 11295841, 23527089, 21711375, 37975407, 14633923, 38637882, 35150601)

CeGaT Center for Human Genetics Tuebingen
Classification: Uncertain significance. Last evaluated: 2024-09-01. Review status: criteria provided, single submitter. Criteria: CeGaT Center For Human Genetics Tuebingen Variant Classification Criteria Version 2. Collection method: clinical testing. Allele origin: germline. Affected: yes. Observed: 1 variant allele.
Comment: RET: PS3:Supporting

All of Us Research Program, National Institutes of Health
Classification: Uncertain significance for Multiple endocrine neoplasia, type 2. Last evaluated: 2024-08-23. Review status: criteria provided, single submitter. Criteria: ACMG Guidelines, 2015. Collection method: clinical testing. Allele origin: germline. Inheritance: Autosomal dominant inheritance. Observed: 49 variant alleles, 49 heterozygotes.
Comment: This missense variant replaces isoleucine with methionine at codon 852 of the RET protein. Computational prediction is inconclusive regarding the impact of this variant on protein structure and function (internally defined REVEL score threshold 0.5 < inconclusive < 0.7, PMID: 27666373). A functional study reported moderate transforming ability and auto-phosphorylation for this variant in cell culture (PMID: 21711375). This variant has been reported in individuals affected with MEN2 (PMID: 24745698, 26876062, 27809725), medullary thyroid carcinoma (PMID: 11295841, 21711375, 27525386), non-small cell lung cancer (PMID: 26556299), or pituitary adenoma with paraganglioma (PMID: 31431315). However, additional carriers in two carrier families were primarily asymptomatic without reported C-cell hyperplasia, medullary thyroid cancer, pheochromocytoma, or paraganglioma (PMID: 11295841, 21711375). In two affected carriers, a germline or somatic pathogenic co-variant was identified that explained the disease phenotype (PMID: 26876062, 28578594). This variant has been identified in 49/282156 chromosomes in the general population by the Genome Aggregation Database (gnomAD). The available evidence is insufficient to determine the role of this variant in disease conclusively. Therefore, this variant is classified as a Variant of Uncertain Significance.

This study involves interpretation of variants in research participants for the purpose of population health screening. Participant phenotype was not available at the time of variant classification. Additional details can be found in publication PMID: 35346344, PMCID: PMC8962531

Fulgent Genetics
Classification: Uncertain significance for Hirschsprung disease, susceptibility to, 1; Familial medullary thyroid carcinoma; Multiple endocrine neoplasia type 2B; Pheochromocytoma; Multiple endocrine neoplasia type 2A. Last evaluated: 2024-05-08. Review status: criteria provided, single submitter. Criteria: ACMG Guidelines, 2015. Collection method: clinical testing. Allele origin: germline.